The following is an entry in ClinVar:

NM_000257.4(MYH7):c.2086A>T (p.Asn696Tyr)

Gene: MYH7 (myosin heavy chain 7; minus strand). Cytogenetic location: 14q11.2.
Variant type: single nucleotide variant.
Coding change: c.2086A>T on transcript NM_000257.4 (MANE Select); coding-DNA position 2086, A replaced by T.
Protein change: p.Asn696Tyr; replaces asparagine 696 with tyrosine.
Molecular consequence: missense variant.
Genome position (GRCh38, 1-based): chr14:23,426,040, T>A on the plus strand (A>T on the coding strand, the complement: MYH7 is on the minus strand). VCF-style: chr14-23426040-T-A. GRCh37 (hg19) VCF-style: chr14-23895249-T-A.
Other names: short protein forms N696Y.
Identifiers: ClinVar variation 1345397 (VCV001345397.6), dbSNP rs2138668970, ClinGen allele CA389049153.

ClinVar aggregate classification (germline): Likely pathogenic (1 of 4 stars; one submission).

Conditions:
Hypertrophic cardiomyopathy. Also called: HYPERTROPHIC MYOCARDIOPATHY. Identifiers: Orphanet 217569, MedGen C0007194, MeSH D002312, MONDO:0005045, HP:0001639.

Submission:

Labcorp Genetics (formerly Invitae), Labcorp
Classification: Likely pathogenic for Hypertrophic cardiomyopathy. Last evaluated: 2023-03-22. Review status: criteria provided, single submitter. Criteria: Invitae Variant Classification Sherloc (09022015). Collection method: clinical testing. Allele origin: germline.
Comment: ClinVar contains an entry for this variant (Variation ID: 1345397). This variant has not been reported in the literature in individuals affected with MYH7-related conditions. This variant is not present in population databases (gnomAD no frequency). This sequence change replaces asparagine, which is neutral and polar, with tyrosine, which is neutral and polar, at codon 696 of the MYH7 protein (p.Asn696Tyr). Advanced modeling of protein sequence and biophysical properties (such as structural, functional, and spatial information, amino acid conservation, physicochemical variation, residue mobility, and thermodynamic stability) performed at Invitae indicates that this missense variant is expected to disrupt MYH7 protein function. In summary, the currently available evidence indicates that the variant is pathogenic, but additional data are needed to prove that conclusively. Therefore, this variant has been classified as Likely Pathogenic. This variant disrupts the p.Asn696 amino acid residue in MYH7. Other variant(s) that disrupt this residue have been determined to be pathogenic (PMID: 9822100, 28615295; Invitae). This suggests that this residue is clinically significant, and that variants that disrupt this residue are likely to be disease-causing.

Literature cited by the submitters: PubMed 9822100; PubMed 28615295.